The following is an entry in ClinVar:

NM_000204.5(CFI):c.1149-2A>T

Gene: CFI (complement factor I; minus strand). Cytogenetic location: 4q25.
Variant type: single nucleotide variant.
Coding change: c.1149-2A>T on transcript NM_000204.5 (MANE Select); the canonical splice acceptor site of the intron before coding-DNA position 1149, A replaced by T.
Molecular consequence: splice acceptor variant.
Genome position (GRCh38, 1-based): chr4:109,746,504, T>A on the plus strand (A>T on the coding strand, the complement: CFI is on the minus strand). VCF-style: chr4-109746504-T-A. GRCh37 (hg19) VCF-style: chr4-110667660-T-A.
Other names: c.1128-2A>T (NM_001375282.1, NM_001375280.1, NM_001331035.2); c.1149-2A>T (NM_001375281.1, NM_001375279.1); c.1173-2A>T (NM_001375278.1, NM_001318057.2); c.540-2A>T (NM_001375284.1); c.1092-2A>T (NM_001375283.1).
Identifiers: ClinVar variation 1162966 (VCV001162966.7), dbSNP rs1352826089, ClinGen allele CA357857786.

ClinVar aggregate classification (germline): Likely pathogenic/Likely pathogenic, low penetrance. Review status: criteria provided, multiple submitters, no conflicts (2 of 4 stars). 3 submissions from 3 submitters: Likely pathogenic (2); Likely pathogenic, low penetrance (1). Last evaluated 2025-09-26.

Conditions:
CFI-related disorder. Also called: CFI-related disorders; CFI-related condition. Identifiers: MedGen CN239325.

Submissions (3):

Genomenon, Inc
Classification: Likely pathogenic, low penetrance for CFI-related disorder. Last evaluated: 2025-09-26. Review status: criteria provided, single submitter. Criteria: Genomenon Sequence Variant Interpretation Standards - Updated. Collection method: curation. Allele origin: germline. Affected: no.
Comment: CFI c.1149-2A>T is a canonical splice variant located in the acceptor splice region of intron 10. This variant has been reported in the published literature (PMID:34746741). It is absent or not present at a significant frequency in gnomAD. In conclusion, we classify CFI c.1149-2A>T as a likely pathogenic, low penetrance variant.

Labcorp Genetics (formerly Invitae), Labcorp
Classification: Likely pathogenic. Last evaluated: 2025-04-27. Review status: criteria provided, single submitter. Criteria: Invitae Variant Classification Sherloc (09022015). Collection method: clinical testing. Allele origin: germline.
Comment: This sequence change affects an acceptor splice site in intron 10 of the CFI gene. It is expected to disrupt RNA splicing. Variants that disrupt the donor or acceptor splice site typically lead to a loss of protein function (PMID: 16199547), and loss-of-function variants in CFI are known to be pathogenic (PMID: 15917334, 16621965, 19065647, 20016463, 22710145). This variant is not present in population databases (gnomAD no frequency). This variant has not been reported in the literature in individuals affected with CFI-related conditions. ClinVar contains an entry for this variant (Variation ID: 1162966). Algorithms developed to predict the effect of sequence changes on RNA splicing suggest that this variant may disrupt the consensus splice site. In summary, the currently available evidence indicates that the variant is pathogenic, but additional data are needed to prove that conclusively. Therefore, this variant has been classified as Likely Pathogenic.

Mayo Clinic Laboratories, Mayo Clinic
Classification: Likely pathogenic. Last evaluated: 2019-06-23. Review status: criteria provided, single submitter. Criteria: ACMG Guidelines, 2015. Collection method: clinical testing. Allele origin: germline. Observed: 1 variant allele.
Comment: PVS1, PM2

Literature cited by the submitters: PubMed 34746741 (cited by Genomenon, Inc); PubMed 16199547 (cited by Labcorp Genetics (formerly Invitae), Labcorp); PubMed 15917334 (cited by Labcorp Genetics (formerly Invitae), Labcorp); PubMed 16621965 (cited by Labcorp Genetics (formerly Invitae), Labcorp); PubMed 19065647 (cited by Labcorp Genetics (formerly Invitae), Labcorp); PubMed 20016463 (cited by Labcorp Genetics (formerly Invitae), Labcorp); PubMed 22710145 (cited by Labcorp Genetics (formerly Invitae), Labcorp).